The following is an entry in ClinVar:

NM_000059.4(BRCA2):c.4960dup (p.Cys1654fs)

Gene: BRCA2 (BRCA2 DNA repair associated; plus strand). Cytogenetic location: 13q13.1.
Variant type: Duplication.
Coding change: c.4960dup on transcript NM_000059.4 (MANE Select); coding-DNA position 4960, one base duplicated (T; older notation c.4960dupT).
Protein change: p.Cys1654fs; shifts the reading frame from cysteine 1654.
Molecular consequence: frameshift variant.
Genome position (GRCh38, 1-based): chr13:32,339,315, T duplicated; the last of 2 consecutive T bases (chr13:32,339,314-32,339,315); duplicating either gives the same sequence. VCF-style (leftmost placement, unchanged base first): chr13-32339313-C-CT. GRCh37 (hg19) VCF-style: chr13-32913450-C-CT.
Other names: 5188dupT; short protein forms C1654fs.
Identifiers: ClinVar variation 266840 (VCV000266840.7), dbSNP rs886040556, ClinGen allele CA10589279.

ClinVar aggregate classification (germline): Pathogenic. Review status: reviewed by expert panel (3 of 4 stars). 2 submissions from 2 submitters: Pathogenic (1). 1 of the submissions does not count toward it. Last evaluated 2016-10-18.

Conditions:
Breast-ovarian cancer, familial, susceptibility to, 2 (BROVCA2). Also called: BRCA2 Hereditary Breast and Ovarian Cancer. Identifiers: Orphanet 145, MedGen C2675520, MONDO:0012933, OMIM 612555. Disease mechanism: loss of function.

Submissions (2):

Evidence-based Network for the Interpretation of Germline Mutant Alleles (ENIGMA)
Classification: Pathogenic for Breast-ovarian cancer, familial, susceptibility to, 2. Last evaluated: 2016-10-18. Review status: reviewed by expert panel. Criteria: ENIGMA BRCA1/2 Classification Criteria (2015). Collection method: curation. Allele origin: germline.
Comment: Variant allele predicted to encode a truncated non-functional protein.

Consortium of Investigators of Modifiers of BRCA1/2 (CIMBA), c/o University of Cambridge
Classification: Pathogenic for Breast-ovarian cancer, familial, susceptibility to, 2. Last evaluated: 2015-10-02. Review status: criteria provided, single submitter. Criteria: CIMBA Mutation Classification guidelines May 2016. Collection method: clinical testing. Allele origin: germline. Not counted in ClinVar's aggregate classification.